The following is an entry in ClinVar:

ClinVar aggregate classification (germline): Uncertain significance (1 of 4 stars; one submission).

Submission:

GeneDx
Classification: Uncertain significance. Last evaluated: 2019-05-08. Review status: criteria provided, single submitter. Criteria: GeneDx Variant Classification Process June 2021. Collection method: clinical testing. Allele origin: germline. Affected: yes.
Comment: Reported in association with acute myeloid leukemia (Gale et al., 2015); Nonsense variant predicted to result in protein truncation, although loss-of-function variants have not been reported downstream of this position in the protein; Not observed in large population cohorts (Lek et al., 2016); This variant is associated with the following publications: (PMID: 27458708, 25964253)

NM_022552.5(DNMT3A):c.2622T>A (p.Tyr874Ter)

Gene: DNMT3A (DNA methyltransferase 3 alpha; minus strand). Cytogenetic location: 2p23.3.
Variant type: single nucleotide variant.
Coding change: c.2622T>A on transcript NM_022552.5 (MANE Select); coding-DNA position 2622, T replaced by A.
Protein change: p.Tyr874Ter; replaces tyrosine 874 with a stop codon.
Molecular consequence: nonsense. On other transcripts: non-coding transcript variant (1).
Genome position (GRCh38, 1-based): chr2:25,234,396, A>T on the plus strand (T>A on the coding strand, the complement: DNMT3A is on the minus strand). VCF-style: chr2-25234396-A-T. GRCh37 (hg19) VCF-style: chr2-25457265-A-T.
Other names: c.2166T>A, p.Tyr722Ter (NM_001320893.1); c.1953T>A, p.Tyr651Ter (NM_001375819.1); c.2055T>A, p.Tyr685Ter (NM_153759.3); c.2622T>A, p.Tyr874Ter (NM_175629.2); short protein forms Y651*, Y685*, Y722*, Y874*.
Identifiers: ClinVar variation 1315678 (VCV001315678.2), dbSNP rs770134132, ClinGen allele CA346068227.
Genomic context (GRCh38, chr2:25,234,396, plus strand): 5'-GCTCCATGACCGGCCCAGCAGTCTCTGCCTCGCCAAGCGGCTCATGTTGGAGACGTCAGT[A>T]TAGTGGACTGGGAAACCAAATACCCTGGGGGAGAAAAGGCAGAGAGGGCAGGGTGAGTGC-3'